The following is an entry in ClinVar:

NM_053025.4(MYLK):c.506G>A (p.Arg169Gln)

Gene: MYLK (myosin light chain kinase; minus strand). Cytogenetic location: 3q21.1.
Variant type: single nucleotide variant.
Coding change: c.506G>A on transcript NM_053025.4 (MANE Select); coding-DNA position 506, G replaced by A.
Protein change: p.Arg169Gln; replaces arginine 169 with glutamine.
Molecular consequence: missense variant. On other transcripts: 5 prime UTR variant (1).
Genome position (GRCh38, 1-based): chr3:123,738,979, C>T on the plus strand (G>A on the coding strand, the complement: MYLK is on the minus strand). VCF-style: chr3-123738979-C-T. GRCh37 (hg19) VCF-style: chr3-123457826-C-T.
Other names: c.-23G>A (NM_001321309.2); c.506G>A, p.Arg169Gln (NM_053026.4, NM_053027.4, NM_053028.4); short protein forms R169Q.
Identifiers: ClinVar variation 655634 (VCV000655634.11), dbSNP rs758521431, ClinGen allele CA072748.

ClinVar aggregate classification (germline): Uncertain significance. Review status: criteria provided, multiple submitters, no conflicts (2 of 4 stars). 4 submissions from 4 submitters: Uncertain significance (4). Last evaluated 2026-04-22.

Conditions:
Familial thoracic aortic aneurysm and aortic dissection (TAAD). Also called: Thoracic aortic aneurysms and dissections. Identifiers: Orphanet 91387, MedGen C4707243, MONDO:0019625.
Aortic aneurysm, familial thoracic 7 (AAT7). Also called: AORTIC DISSECTION, FAMILIAL, WITH OR WITHOUT AORTIC ANEURYSM. Identifiers: MedGen C3151077, MONDO:0013418, OMIM 613780.

Allele frequency attached by ClinVar (database versions not stated): TOPMed 0.00011; gnomAD exomes 0.00006 and 0.00010; ExAC 0.00007; gnomAD 0.00012 and 0.00011.
gnomAD v4.1: 101 of 1,613,562 alleles (0.0063%); highest among the groups gnomAD compares: Admixed American, 0.042%; no homozygotes.

Submissions (4):

Ambry Genetics
Classification: Uncertain significance for Familial thoracic aortic aneurysm and aortic dissection. Last evaluated: 2026-04-22. Review status: criteria provided, single submitter. Criteria: Ambry Variant Classification Scheme 2023. Collection method: clinical testing. Allele origin: germline.
Comment: The p.R169Q variant (also known as c.506G>A), located in coding exon 4 of the MYLK gene, results from a G to A substitution at nucleotide position 506. The arginine at codon 169 is replaced by glutamine, an amino acid with highly similar properties. This amino acid position is highly conserved in available vertebrate species. In addition, this alteration is predicted to be tolerated by in silico analysis. Based on the available evidence, the clinical significance of this variant remains unclear.

Labcorp Genetics (formerly Invitae), Labcorp
Classification: Uncertain significance for Aortic aneurysm, familial thoracic 7. Last evaluated: 2026-01-27. Review status: criteria provided, single submitter. Criteria: Invitae Variant Classification Sherloc (09022015). Collection method: clinical testing. Allele origin: germline.
Comment: This sequence change replaces arginine, which is basic and polar, with glutamine, which is neutral and polar, at codon 169 of the MYLK protein (p.Arg169Gln). This variant is present in population databases (rs758521431, gnomAD 0.04%). This variant has not been reported in the literature in individuals affected with MYLK-related conditions. ClinVar contains an entry for this variant (Variation ID: 655634). Invitae Evidence Modeling of protein sequence and biophysical properties (such as structural, functional, and spatial information, amino acid conservation, physicochemical variation, residue mobility, and thermodynamic stability) indicates that this missense variant is not expected to disrupt MYLK protein function with a negative predictive value of 95%. In summary, the available evidence is currently insufficient to determine the role of this variant in disease. Therefore, it has been classified as a Variant of Uncertain Significance.

GeneDx
Classification: Uncertain significance. Last evaluated: 2025-05-16. Review status: criteria provided, single submitter. Criteria: GeneDx Variant Classification Process June 2021. Collection method: clinical testing. Allele origin: germline. Affected: yes.
Comment: In silico analysis suggests that this missense variant does not alter protein structure/function; Has not been previously published as pathogenic or benign to our knowledge

ARUP Laboratories, Molecular Genetics and Genomics, ARUP Laboratories
Classification: Uncertain significance. Last evaluated: 2024-08-26. Review status: criteria provided, single submitter. Criteria: ARUP Molecular Germline Variant Investigation Process 2024. Collection method: clinical testing. Allele origin: germline.
Comment: The MYLK c.506G>A; p.Arg169Gln variant (rs758521431), to our knowledge, is not reported in the medical literature but is reported in ClinVar (Variation ID: 655634). This variant is found in the general population with an overall allele frequency of 0.010% (25/250386 alleles) in the Genome Aggregation Database (v2.1.1). Computational analyses are uncertain whether this variant is neutral or deleterious (REVEL: 0.248). Due to limited information, the clinical significance of this variant is uncertain at this time.